The following is an entry in ClinVar:

ClinVar aggregate classification (germline): Uncertain significance (1 of 4 stars; one submission).

Conditions:
Familial temporal lobe epilepsy 7. Identifiers: Orphanet 101046, MedGen C4225327, MONDO:0014639, OMIM 616436.
Norman-Roberts syndrome (LIS2). Also called: Lissencephaly 2 (Norman-Roberts type). Identifiers: Orphanet 89844, MedGen C0796089, MONDO:0009760, OMIM 257320.

gnomAD v4.1: 3 of 1,613,406 alleles (0.00019%); highest among the groups gnomAD compares: Non-Finnish European, 0.000085%; no homozygotes.

Submission:

Labcorp Genetics (formerly Invitae), Labcorp
Classification: Uncertain significance for Familial temporal lobe epilepsy 7; Norman-Roberts syndrome. Last evaluated: 2023-01-31. Review status: criteria provided, single submitter. Criteria: Invitae Variant Classification Sherloc (09022015). Collection method: clinical testing. Allele origin: germline.
Comment: In summary, the available evidence is currently insufficient to determine the role of this variant in disease. Therefore, it has been classified as a Variant of Uncertain Significance. Advanced modeling of protein sequence and biophysical properties (such as structural, functional, and spatial information, amino acid conservation, physicochemical variation, residue mobility, and thermodynamic stability) performed at Invitae indicates that this missense variant is not expected to disrupt RELN protein function. This sequence change replaces threonine, which is neutral and polar, with asparagine, which is neutral and polar, at codon 82 of the RELN protein (p.Thr82Asn). This variant is not present in population databases (gnomAD no frequency). This variant has not been reported in the literature in individuals affected with RELN-related conditions. ClinVar contains an entry for this variant (Variation ID: 1003877).

NM_005045.4(RELN):c.245C>A (p.Thr82Asn)

Gene: RELN (reelin; minus strand). Cytogenetic location: 7q22.1.
Variant type: single nucleotide variant.
Coding change: c.245C>A on transcript NM_005045.4 (MANE Select); coding-DNA position 245, C replaced by A.
Protein change: p.Thr82Asn; replaces threonine 82 with asparagine.
Molecular consequence: missense variant.
Genome position (GRCh38, 1-based): chr7:103,917,167, G>T on the plus strand (C>A on the coding strand, the complement: RELN is on the minus strand). VCF-style: chr7-103917167-G-T. GRCh37 (hg19) VCF-style: chr7-103557614-G-T.
Other names: c.245C>A, p.Thr82Asn (NM_173054.3); short protein forms T82N.
Identifiers: ClinVar variation 1003877 (VCV001003877.8), dbSNP rs368049573, ClinGen allele CA368931155.
Genomic context (GRCh38, chr7:103,917,167, plus strand): 5'-TGTGATGCCTGAACACTTGTAGATGTGTATAGTCCTGTCACCAGCAAGCCGTCAAAAAAG[G>T]TGCTTGTTGAAATTGTCACTGAAATGTAAGAAAGAAAAAAAAAACTCTCAATACAGTCAG-3'
Protein context (NP_005036.2, residues 72-92): QEYHVTISTS[Thr82Asn]FFDGLLVTGL